The following is an entry in ClinVar:

NM_000059.4(BRCA2):c.7495del (p.Gln2499fs)

Gene: BRCA2 (BRCA2 DNA repair associated; plus strand). Cytogenetic location: 13q13.1.
Variant type: Deletion.
Coding change: c.7495del on transcript NM_000059.4 (MANE Select); coding-DNA position 7495, one base deleted (C; older notation c.7495delC).
Protein change: p.Gln2499fs; shifts the reading frame from glutamine 2499.
Molecular consequence: frameshift variant.
Genome position (GRCh38, 1-based): chr13:32,356,487, C deleted. VCF-style (leftmost placement, unchanged base first): chr13-32356486-AC-A. GRCh37 (hg19) VCF-style: chr13-32930623-AC-A.
Other names: short protein forms Q2499fs.
Identifiers: ClinVar variation 1070336 (VCV001070336.8), dbSNP rs2137562247, ClinGen allele CA2499222291.
Genomic context (GRCh38, chr13:32,356,486, plus strand): 5'-AGATTTAATTACAAGTCTTCAGAATGCCAGAGATATACAGGATATGCGAATTAAGAAGAA[AC>A]AAAGGCAACGCGTCTTTCCACAGCCAGGCAGTCTGTATCTTGCAAAAACATCCACTCTGC-3'

ClinVar aggregate classification (germline): Pathogenic. Review status: criteria provided, multiple submitters, no conflicts (2 of 4 stars). 2 submissions from 2 submitters: Pathogenic (2). Last evaluated 2025-07-02.

Conditions:
Hereditary breast ovarian cancer syndrome. Also called: Hereditary breast and ovarian cancer syndrome (HBOC); Hereditary breast and/or ovarian cancer syndrome; Hereditary breast and ovarian cancer; Breast and ovarian cancer; Hereditary breast and ovarian cancer syndrome; BRCA1- and BRCA2-Associated Hereditary Breast and Ovarian Cancer. Identifiers: Orphanet 145, MedGen C0677776, MeSH D061325, MONDO:0003582. Disease mechanism: loss of function.
Breast-ovarian cancer, familial, susceptibility to, 2 (BROVCA2). Also called: BRCA2 Hereditary Breast and Ovarian Cancer. Identifiers: Orphanet 145, MedGen C2675520, MONDO:0012933, OMIM 612555. Disease mechanism: loss of function.

Submissions (2):

Labcorp Genetics (formerly Invitae), Labcorp
Classification: Pathogenic for Hereditary breast ovarian cancer syndrome. Last evaluated: 2025-07-02. Review status: criteria provided, single submitter. Criteria: Invitae Variant Classification Sherloc (09022015). Collection method: clinical testing. Allele origin: germline.
Comment: This sequence change creates a premature translational stop signal (p.Gln2499Lysfs*25) in the BRCA2 gene. It is expected to result in an absent or disrupted protein product. Loss-of-function variants in BRCA2 are known to be pathogenic (PMID: 20104584). This variant is not present in population databases (gnomAD no frequency). This variant has not been reported in the literature in individuals affected with BRCA2-related conditions. ClinVar contains an entry for this variant (Variation ID: 1070336). For these reasons, this variant has been classified as Pathogenic.

Myriad Genetics, Inc.
Classification: Pathogenic for Breast-ovarian cancer, familial, susceptibility to, 2. Last evaluated: 2025-05-13. Review status: criteria provided, single submitter. Criteria: Myriad Autosomal Dominant, Autosomal Recessive and X-Linked Classification Criteria (2023). Collection method: clinical testing. Allele origin: unknown.
Comment: This variant is considered pathogenic. This variant creates a frameshift predicted to result in premature protein truncation.

Literature cited by the submitters: PubMed 20104584 (cited by Labcorp Genetics (formerly Invitae), Labcorp).